The following is an entry in ClinVar:

NM_001042492.3(NF1):c.7061A>G (p.Lys2354Arg)

Gene: NF1 (neurofibromin 1; plus strand). Cytogenetic location: 17q11.2.
Variant type: single nucleotide variant.
Coding change: c.7061A>G on transcript NM_001042492.3 (MANE Select); coding-DNA position 7061, A replaced by G.
Protein change: p.Lys2354Arg; replaces lysine 2354 with arginine.
Molecular consequence: missense variant.
Genome position (GRCh38, 1-based): chr17:31,340,644, A>G. VCF-style: chr17-31340644-A-G. GRCh37 (hg19) VCF-style: chr17-29667662-A-G.
Other names: c.6998A>G, p.Lys2333Arg (NM_000267.4); short protein forms K2333R, K2354R.
Identifiers: ClinVar variation 3237912 (VCV003237912.2), dbSNP rs2151562040.
Genomic context (GRCh38, chr17:31,340,644, plus strand): 5'-GTACCGCACTTCTTGAACAAAACCTGCATACTTTAGATAGTCTCCGTATATTCAATGACA[A>G]GGTAAGCAAACTTTGCCTTGAGGTTCCTAGATTACTCAAATTTAGTACTCTTCCATCTTT-3'
Protein context (NP_001035957.1, residues 2344-2364): TLDSLRIFND[Lys2354Arg]SPEEVFMAIR

ClinVar aggregate classification (germline): Uncertain significance (1 of 4 stars; one submission).

Conditions:
Hereditary cancer-predisposing syndrome. Also called: Neoplastic Syndromes, Hereditary; Tumor predisposition; Hereditary neoplastic syndrome; Hereditary Cancer Syndrome. Identifiers: Orphanet 140162, MedGen C0027672, MeSH D009386, MONDO:0015356.
Cardiovascular phenotype. Identifiers: MedGen CN230736.

Submission:

Ambry Genetics
Classification: Uncertain significance for Cardiovascular phenotype; Hereditary cancer-predisposing syndrome. Last evaluated: 2025-12-11. Review status: criteria provided, single submitter. Criteria: Ambry Variant Classification Scheme 2023. Collection method: clinical testing. Allele origin: germline.
Comment: The p.K2333R variant (also known as c.6998A>G), located in coding exon 46 of the NF1 gene, results from an A to G substitution at nucleotide position 6998. The lysine at codon 2333 is replaced by arginine, an amino acid with highly similar properties. This amino acid position is conserved. In addition, this alteration is predicted to be tolerated by in silico analysis. Since supporting evidence is limited at this time, the clinical significance of this alteration remains unclear.